The following is an entry in ClinVar:

ClinVar aggregate classification (germline): Conflicting classifications of pathogenicity. Review status: criteria provided, conflicting classifications (1 of 4 stars). 11 submissions from 11 submitters: Uncertain significance (2); Benign (2); Likely benign (4). 3 of the submissions do not count toward it. Last evaluated 2026-01-14.

Conditions:
GLI2-related disorder. Also called: GLI2-related disorders; GLI2-related condition.
Inborn genetic diseases. Identifiers: MedGen C0950123, MeSH D030342.
Holoprosencephaly 9 (HPE9). Also called: PITUITARY ANOMALIES WITH HOLOPROSENCEPHALY-LIKE FEATURES; HOLOPROSENCEPHALY WITH MICROPHTHALMIA AND FIRST BRANCHIAL ARCH ANOMALIES. Identifiers: Orphanet 2162, MedGen C1835819, MONDO:0012563, OMIM 610829.
Postaxial polydactyly-anterior pituitary anomalies-facial dysmorphism syndrome. Also called: Culler-Jones syndrome. Identifiers: Orphanet 420584, MedGen C4014479, MONDO:0014369, OMIM 615849.

Allele frequency attached by ClinVar (database versions not stated): 1000 Genomes Project 30x 0.00031; 1000 Genomes Project 0.00040; gnomAD exomes 0.00075 and 0.00119; ExAC 0.00076; gnomAD 0.00086 and 0.00088; TOPMed 0.00095; ESP Exome Variant Server 0.00131.
gnomAD v4.1: 1,872 of 1,611,078 alleles (0.12%); highest among the groups gnomAD compares: Non-Finnish European, 0.15%; 3 homozygotes.

Submissions (11):

Labcorp Genetics (formerly Invitae), Labcorp
Classification: Likely benign for Postaxial polydactyly-anterior pituitary anomalies-facial dysmorphism syndrome; Holoprosencephaly 9. Last evaluated: 2026-01-14. Review status: criteria provided, single submitter. Criteria: Invitae Variant Classification Sherloc (09022015). Collection method: clinical testing. Allele origin: germline.

CeGaT Center for Human Genetics Tuebingen
Classification: Likely benign. Last evaluated: 2025-07-01. Review status: criteria provided, single submitter. Criteria: CeGaT Center For Human Genetics Tuebingen Variant Classification Criteria Version 2. Collection method: clinical testing. Allele origin: germline. Affected: yes. Observed: 3 variant alleles.
Comment: GLI2: BP4, BS1

Blueprint Genetics
Classification: Likely benign. Last evaluated: 2024-11-25. Review status: criteria provided, single submitter. Criteria: ACMG Guidelines, 2015. Collection method: clinical testing. Allele origin: germline.

Revvity Omics, Revvity
Classification: Uncertain significance. Last evaluated: 2023-02-24. Review status: criteria provided, single submitter. Criteria: ACMG Guidelines, 2015. Collection method: clinical testing. Allele origin: germline.

Ambry Genetics
Classification: Likely benign for Inborn genetic diseases. Last evaluated: 2021-12-14. Review status: criteria provided, single submitter. Criteria: Ambry Variant Classification Scheme 2023. Collection method: clinical testing. Allele origin: germline.

GeneDx
Classification: Benign. Last evaluated: 2020-09-30. Review status: criteria provided, single submitter. Criteria: GeneDx Variant Classification Process June 2021. Collection method: clinical testing. Allele origin: germline. Affected: yes.
Comment: Identified in a patient with combined pituitary hormone deficiency (CPHD) without holoprosencephaly in published literature (Franca et al., 2013); In silico analysis supports that this missense variant does not alter protein structure/function; This variant is associated with the following publications: (PMID: 22967285, 24744436)

Illumina Laboratory Services, Illumina
Classification: Benign for Holoprosencephaly 9. Last evaluated: 2017-04-28. Review status: criteria provided, single submitter. Criteria: ICSL Variant Classification Criteria 13 December 2019. Collection method: clinical testing. Allele origin: germline.
Comment: This variant was observed as part of a predisposition screen in an ostensibly healthy population. A literature search was performed for the gene, cDNA change, and amino acid change (where applicable). Publications were found based on this search. The evidence from the literature, in combination with allele frequency data from public databases where available, was sufficient to rule this variant out of causing disease. Therefore, this variant is classified as benign.

Eurofins Ntd Llc (ga)
Classification: Uncertain significance. Last evaluated: 2015-08-07. Review status: criteria provided, single submitter. Criteria: EGL Classification Definitions 2015. Collection method: clinical testing. Allele origin: germline. Observed: 1 variant allele, 1 heterozygote.

PreventionGenetics, part of Exact Sciences
Classification: Likely benign for GLI2-related condition. Last evaluated: 2020-09-17. Review status: no assertion criteria provided. Collection method: clinical testing. Allele origin: germline. Not counted in ClinVar's aggregate classification.
Comment: This variant is classified as likely benign based on ACMG/AMP sequence variant interpretation guidelines (Richards et al. 2015 PMID: 25741868, with internal and published modifications).

Clinical Genetics DNA and cytogenetics Diagnostics Lab, Erasmus MC, Erasmus Medical Center
Classification: Likely benign. Review status: no assertion criteria provided. Collection method: clinical testing. Allele origin: germline. Affected: yes. Study: VKGL Data-share Consensus. Not counted in ClinVar's aggregate classification.

Clinical Genetics, Academic Medical Center
Classification: Likely benign. Review status: no assertion criteria provided. Collection method: clinical testing. Allele origin: germline. Affected: yes. Study: VKGL Data-share Consensus. Not counted in ClinVar's aggregate classification.

Literature cited by the submitters: PubMed 22967285 (cited by Illumina Laboratory Services, Illumina); PubMed 24744436 (cited by Illumina Laboratory Services, Illumina).

NM_001374353.1(GLI2):c.607G>A (p.Ala203Thr)

Gene: GLI2 (GLI family zinc finger 2; plus strand). Cytogenetic location: 2q14.2.
Variant type: single nucleotide variant.
Coding change: c.607G>A on transcript NM_001374353.1 (MANE Select); coding-DNA position 607, G replaced by A.
Protein change: p.Ala203Thr; replaces alanine 203 with threonine.
Molecular consequence: missense variant.
Genome position (GRCh38, 1-based): chr2:120,955,394, G>A. VCF-style: chr2-120955394-G-A. GRCh37 (hg19) VCF-style: chr2-121712970-G-A.
Other names: c.607G>A, p.Ala203Thr (NM_001371271.1, NM_005270.5); c.232G>A, p.Ala78Thr (NM_001374354.1); short protein forms A203T, A78T.
Identifiers: ClinVar variation 282300 (VCV000282300.52), dbSNP rs147044066, ClinGen allele CA1851588.
Genomic context (GRCh38, chr2:120,955,394, plus strand): 5'-GTGGCAGGCCACCCCGCGCCCTACGGGGACCTGCTGATGCAGAGCGGGGGCGCTGCCAGC[G>A]CACCCCATCTCCACGACTACCTCAACCCCGTGGACGGTGAGTGCTGGCCCCCAGGGGCTG-3'
Protein context (NP_001361282.1, residues 193-213): LLMQSGGAAS[Ala203Thr]PHLHDYLNPV